The following is an entry in ClinVar:

NM_001243133.2(NLRP3):c.1912G>A (p.Glu638Lys)

Gene: NLRP3 (NLR family pyrin domain containing 3; plus strand). Cytogenetic location: 1q44.
Variant type: single nucleotide variant.
Coding change: c.1912G>A on transcript NM_001243133.2 (MANE Select); coding-DNA position 1912, G replaced by A.
Protein change: p.Glu638Lys; replaces glutamic acid 638 with lysine.
Molecular consequence: missense variant.
Genome position (GRCh38, 1-based): chr1:247,425,361, G>A. VCF-style: chr1-247425361-G-A. GRCh37 (hg19) VCF-style: chr1-247588663-G-A.
Other names: c.1912G>A, p.Glu638Lys (NM_001079821.3, NM_001127461.3, NM_001127462.3 and 1 more transcripts); c.1918G>A, p.Glu640Lys (NM_004895.5); short protein forms E638K, E640K.
Identifiers: ClinVar variation 1952602 (VCV001952602.6), dbSNP rs2527276621, ClinGen allele CA345558110.

ClinVar aggregate classification (germline): Uncertain significance. Review status: criteria provided, multiple submitters, no conflicts (2 of 4 stars). 2 submissions from 2 submitters: Uncertain significance (2). Last evaluated 2022-11-07.

Conditions:
NLRP3-related disorder. Also called: NLRP3-related condition; NLRP3-Related Disorders.
Cryopyrin associated periodic syndrome (CAPS). Identifiers: Orphanet 208650, MedGen C2316212, MONDO:0016168.

Submissions (2):

PreventionGenetics, part of Exact Sciences
Classification: Uncertain significance for NLRP3-related condition. Last evaluated: 2022-11-07. Review status: criteria provided, single submitter. Criteria: ACMG Guidelines, 2015. Collection method: clinical testing. Allele origin: germline.
Comment: The NLRP3 c.1918G>A variant is predicted to result in the amino acid substitution p.Glu640Lys. To our knowledge, this variant has not been reported in the literature or in a large population database, indicating this variant is rare. At this time, the clinical significance of this variant is uncertain due to the absence of conclusive functional and genetic evidence.

Labcorp Genetics (formerly Invitae), Labcorp
Classification: Uncertain significance for Cryopyrin associated periodic syndrome. Last evaluated: 2022-03-12. Review status: criteria provided, single submitter. Criteria: Invitae Variant Classification Sherloc (09022015). Collection method: clinical testing. Allele origin: germline.
Comment: In summary, the available evidence is currently insufficient to determine the role of this variant in disease. Therefore, it has been classified as a Variant of Uncertain Significance. Algorithms developed to predict the effect of missense changes on protein structure and function (SIFT, PolyPhen-2, Align-GVGD) all suggest that this variant is likely to be tolerated. This variant is also known as E638K. This missense change has been observed in individual(s) with systemic auto-inflammatory disorders (PMID: 26386126). This variant is not present in population databases (gnomAD no frequency). This sequence change replaces glutamic acid, which is acidic and polar, with lysine, which is basic and polar, at codon 640 of the NLRP3 protein (p.Glu640Lys).

Literature cited by the submitters: PubMed 26386126 (cited by Labcorp Genetics (formerly Invitae), Labcorp).